The following is an entry in ClinVar:

NM_001267550.2(TTN):c.95119G>C (p.Asp31707His)

Genes: TTN (titin; minus strand), TTN-AS1 (TTN antisense RNA 1; plus strand). Cytogenetic location: 2q31.2.
Variant type: single nucleotide variant.
Coding change: c.95119G>C on transcript NM_001267550.2 (MANE Select); coding-DNA position 95119, G replaced by C.
Protein change: p.Asp31707His; replaces aspartic acid 31707 with histidine.
Molecular consequence: missense variant.
Genome position (GRCh38, 1-based): chr2:178,546,212, C>G on the plus strand (G>C on the coding strand, the complement: TTN is on the minus strand). VCF-style: chr2-178546212-C-G. GRCh37 (hg19) VCF-style: chr2-179410939-C-G.
Other names: c.90196G>C, p.Asp30066His (NM_001256850.1); c.67924G>C, p.Asp22642His (NM_003319.4); c.87415G>C, p.Asp29139His (NM_133378.4); c.68299G>C, p.Asp22767His (NM_133432.3); c.68500G>C, p.Asp22834His (NM_133437.4); c.95119G>C (LRG_391t1); short protein forms D31707H, D22642H, D22834H, D29139H, D30066H, D22767H.
Identifiers: ClinVar variation 448832 (VCV000448832.8), dbSNP rs1360232560, ClinGen allele CA349466243.
Genomic context (GRCh38, chr2:178,546,212, plus strand): 5'-CATTCTTTCTGCCCACACTGGAAAATGCTATATAAATGTGAGAACATTTGACATGCTTAC[C>G]AAGCACTTTGACCATGACAGACACGGCCTTGGTCCCGCTGGCATTTTTCACTGTTAAAGT-3'
Protein context (NP_001254479.2, residues 31697-31717): KAVSVMVKVL[Asp31707His]SPGPCGKLTV

ClinVar aggregate classification (germline): Uncertain significance. Review status: criteria provided, multiple submitters, no conflicts (2 of 4 stars). 2 submissions from 2 submitters: Uncertain significance (2). Last evaluated 2022-04-22.

Conditions:
Autosomal recessive limb-girdle muscular dystrophy type 2J (LGMDR10). Also called: Limb-girdle muscular dystrophy, type 2J; MUSCULAR DYSTROPHY, LIMB-GIRDLE, AUTOSOMAL RECESSIVE 10. Identifiers: Orphanet 140922, MedGen C1837342, MONDO:0012127, OMIM 608807.
Dilated cardiomyopathy 1G (CMD1G). Identifiers: Orphanet 154, MedGen C1858763, MONDO:0011400, OMIM 604145.

Allele frequency attached by ClinVar (database versions not stated): gnomAD exomes 0.00001.
gnomAD v4.1: 7 of 1,605,500 alleles (0.00044%); highest among the groups gnomAD compares: South Asian, 0.0078%; no homozygotes.

Submissions (2):

Labcorp Genetics (formerly Invitae), Labcorp
Classification: Uncertain significance for Dilated cardiomyopathy 1G; Autosomal recessive limb-girdle muscular dystrophy type 2J. Last evaluated: 2022-04-22. Review status: criteria provided, single submitter. Criteria: Invitae Variant Classification Sherloc (09022015). Collection method: clinical testing. Allele origin: germline.
Comment: This sequence change replaces aspartic acid, which is acidic and polar, with histidine, which is basic and polar, at codon 31707 of the TTN protein (p.Asp31707His). This variant also falls at the last nucleotide of exon 342, which is part of the consensus splice site for this exon. This variant is present in population databases (no rsID available, gnomAD 0.007%). This variant has not been reported in the literature in individuals affected with TTN-related conditions. ClinVar contains an entry for this variant (Variation ID: 448832). Experimental studies and prediction algorithms are not available or were not evaluated, and the functional significance of this variant is currently unknown. Variants that disrupt the consensus splice site are a relatively common cause of aberrant splicing (PMID: 17576681, 9536098). Algorithms developed to predict the effect of sequence changes on RNA splicing suggest that this variant may disrupt the consensus splice site. This variant is located in the A band of TTN (PMID: 25589632). Variants in this region may be relevant for cardiac or neuromuscular disorders (PMID: 25589632, 23975875). In summary, the available evidence is currently insufficient to determine the role of this variant in disease. Therefore, it has been classified as a Variant of Uncertain Significance.

Athena Diagnostics
Classification: Uncertain significance. Last evaluated: 2020-04-08. Review status: criteria provided, single submitter. Criteria: Athena Diagnostics Criteria. Collection method: clinical testing. Allele origin: unknown.

Literature cited by the submitters: PubMed 17576681 (cited by Labcorp Genetics (formerly Invitae), Labcorp); PubMed 9536098 (cited by Labcorp Genetics (formerly Invitae), Labcorp); PubMed 25589632 (cited by Labcorp Genetics (formerly Invitae), Labcorp); PubMed 23975875 (cited by Labcorp Genetics (formerly Invitae), Labcorp).